The following is an entry in ClinVar:

ClinVar aggregate classification (germline): Conflicting classifications of pathogenicity. Review status: criteria provided, conflicting classifications (1 of 4 stars). 2 submissions from 2 submitters: Pathogenic (1); Uncertain significance (1). Last evaluated 2025-03-17.

Conditions:
MERTK-related disorder. Also called: MERTK-related condition.

Allele frequency attached by ClinVar (database versions not stated): gnomAD exomes 0.00001.

Submissions (2):

Labcorp Genetics (formerly Invitae), Labcorp
Classification: Uncertain significance. Last evaluated: 2025-03-17. Review status: criteria provided, single submitter. Criteria: Invitae Variant Classification Sherloc (09022015). Collection method: clinical testing. Allele origin: germline.
Comment: This sequence change falls in intron 8 of the MERTK gene. It does not directly change the encoded amino acid sequence of the MERTK protein. It affects a nucleotide within the consensus splice site. This variant is not present in population databases (gnomAD no frequency). This variant has not been reported in the literature in individuals affected with MERTK-related conditions. ClinVar contains an entry for this variant (Variation ID: 866972). Variants that disrupt the consensus splice site are a relatively common cause of aberrant splicing (PMID: 17576681, 9536098). Algorithms developed to predict the effect of sequence changes on RNA splicing suggest that this variant may disrupt the consensus splice site. In summary, the available evidence is currently insufficient to determine the role of this variant in disease. Therefore, it has been classified as a Variant of Uncertain Significance.

Blueprint Genetics
Classification: Pathogenic for MERTK-related disorders. Last evaluated: 2019-10-23. Review status: criteria provided, single submitter. Criteria: ACMG Guidelines, 2015. Collection method: clinical testing. Allele origin: germline. Affected: yes. Observed: 5 variant alleles.

Literature cited by the submitters: PubMed 17576681 (cited by Labcorp Genetics (formerly Invitae), Labcorp); PubMed 9536098 (cited by Labcorp Genetics (formerly Invitae), Labcorp).

NM_006343.3(MERTK):c.1296+2dup

Gene: MERTK (MER proto-oncogene, tyrosine kinase; plus strand). Cytogenetic location: 2q13.
Variant type: Duplication.
Coding change: c.1296+2dup on transcript NM_006343.3 (MANE Select); the canonical splice donor site of the intron after coding-DNA position 1296, one base duplicated (T; older notation c.1296+2dupT).
Molecular consequence: splice donor variant.
Genome position (GRCh38, 1-based): chr2:111,982,995, T duplicated. VCF-style (leftmost placement, unchanged base first): chr2-111982994-G-GT. GRCh37 (hg19) VCF-style: chr2-112740571-G-GT.
Identifiers: ClinVar variation 866972 (VCV000866972.8), dbSNP rs1681147109, ClinGen allele CA916082200.